The following is an entry in ClinVar:

ClinVar aggregate classification (germline): Uncertain significance (1 of 4 stars; one submission).

Conditions:
Neuronopathy, distal hereditary motor, autosomal recessive 5. Also called: Spinal muscular atrophy, distal, autosomal recessive, 5; NEUROPATHY, DISTAL HEREDITARY MOTOR, AUTOSOMAL RECESSIVE 5; Young adult-onset distal hereditary motor neuropathy. Identifiers: Orphanet 314485, Orphanet 443950, MedGen C4749918, MONDO:0013947, OMIM 614881.

Submission:

Labcorp Genetics (formerly Invitae), Labcorp
Classification: Uncertain significance for Neuronopathy, distal hereditary motor, autosomal recessive 5. Last evaluated: 2021-10-08. Review status: criteria provided, single submitter. Criteria: Invitae Variant Classification Sherloc (09022015). Collection method: clinical testing. Allele origin: germline.
Comment: In summary, the available evidence is currently insufficient to determine the role of this variant in disease. Therefore, it has been classified as a Variant of Uncertain Significance. Algorithms developed to predict the effect of missense changes on protein structure and function are either unavailable or do not agree on the potential impact of this missense change (SIFT: "Tolerated"; PolyPhen-2: "Probably Damaging"; Align-GVGD: "Class C0"). This variant has not been reported in the literature in individuals affected with DNAJB2-related conditions. This variant is not present in population databases (ExAC no frequency). This sequence change replaces glutamic acid with glutamine at codon 195 of the DNAJB2 protein (p.Glu195Gln). The glutamic acid residue is moderately conserved and there is a small physicochemical difference between glutamic acid and glutamine.

NM_006736.6(DNAJB2):c.583G>C (p.Glu195Gln)

Gene: DNAJB2 (DnaJ heat shock protein family (Hsp40) member B2; plus strand). Cytogenetic location: 2q35.
Variant type: single nucleotide variant.
Coding change: c.583G>C on transcript NM_006736.6 (MANE Select); coding-DNA position 583, G replaced by C.
Protein change: p.Glu195Gln; replaces glutamic acid 195 with glutamine.
Molecular consequence: missense variant.
Genome position (GRCh38, 1-based): chr2:219,283,453, G>C. VCF-style: chr2-219283453-G-C. GRCh37 (hg19) VCF-style: chr2-220148175-G-C.
Other names: c.583G>C, p.Glu195Gln (NM_001039550.2); short protein forms E195Q.
Identifiers: ClinVar variation 1385398 (VCV001385398.6), dbSNP rs2125083127, ClinGen allele CA350650942.